The following is an entry in ClinVar:

NM_000051.4(ATM):c.7834A>C (p.Arg2612=)

Genes: ATM (ATM serine/threonine kinase; plus strand), C11orf65 (chromosome 11 open reading frame 65; minus strand). Cytogenetic location: 11q22.3.
Variant type: single nucleotide variant.
Coding change: c.7834A>C on transcript NM_000051.4 (MANE Select); coding-DNA position 7834, A replaced by C.
Protein change: p.Arg2612=; no amino-acid change (arginine 2612 retained).
Molecular consequence: synonymous variant. On other transcripts: intron variant (2).
Genome position (GRCh38, 1-based): chr11:108,332,807, A>C. VCF-style: chr11-108332807-A-C. GRCh37 (hg19) VCF-style: chr11-108203534-A-C.
Other names: c.7834A>C, p.Arg2612= (NM_001351834.2); c.641-23736T>G (NM_001330368.2); c.*38+2413T>G (NM_001351110.2).
Identifiers: ClinVar variation 490714 (VCV000490714.14), dbSNP rs1305691166, ClinGen allele CA476677383.

ClinVar aggregate classification (germline): Benign/Likely benign. Review status: criteria provided, multiple submitters, no conflicts (2 of 4 stars). 4 submissions from 4 submitters: Benign (1); Likely benign (3). Last evaluated 2025-11-05.

Conditions:
Hereditary cancer-predisposing syndrome. Also called: Hereditary Cancer Syndrome; Neoplastic Syndromes, Hereditary; Tumor predisposition; Hereditary neoplastic syndrome. Identifiers: Orphanet 140162, MedGen C0027672, MeSH D009386, MONDO:0015356.
Ataxia-telangiectasia syndrome (AT). Also called: Cerebello-oculocutaneous telangiectasia; Immunodeficiency with ataxia telangiectasia; Ataxia-telangiectasia, complementation group E; Ataxia-telangiectasia, complementation group D; AT, COMPLEMENTATION GROUP C; ATAXIA-TELANGIECTASIA, COMPLEMENTATION GROUP A. Identifiers: Orphanet 100, MedGen C0004135, MONDO:0008840, OMIM 208900.
Familial cancer of breast. Also called: BREAST CANCER, FAMILIAL; Hereditary breast cancer; hereditary breast carcinoma. Identifiers: Orphanet 227535, MedGen C0346153, MONDO:0016419, OMIM 114480. Disease mechanism: loss of function.

Allele frequency attached by ClinVar (database versions not stated): gnomAD 0.00001 and below 0.00001; gnomAD exomes below 0.00001.
gnomAD v4.1: 8 of 1,613,358 alleles (0.0005%); highest among the groups gnomAD compares: South Asian, 0.0088%; no homozygotes.

Submissions (4):

Labcorp Genetics (formerly Invitae), Labcorp
Classification: Likely benign for Ataxia-telangiectasia syndrome. Last evaluated: 2025-11-05. Review status: criteria provided, single submitter. Criteria: Invitae Variant Classification Sherloc (09022015). Collection method: clinical testing. Allele origin: germline.

Myriad Genetics, Inc.
Classification: Benign for Familial cancer of breast. Last evaluated: 2024-06-17. Review status: criteria provided, single submitter. Criteria: Myriad Autosomal Dominant, Autosomal Recessive and X-Linked Classification Criteria (2023). Collection method: clinical testing. Allele origin: unknown.
Comment: This variant is considered benign. This variant is a silent/synonymous amino acid change and it is not expected to impact splicing.

Ambry Genetics
Classification: Likely benign for Hereditary cancer-predisposing syndrome. Last evaluated: 2021-08-05. Review status: criteria provided, single submitter. Criteria: Ambry Variant Classification Scheme 2023. Collection method: clinical testing. Allele origin: germline.

Color Diagnostics, LLC DBA Color Health
Classification: Likely benign for Hereditary cancer-predisposing syndrome. Last evaluated: 2017-09-07. Review status: criteria provided, single submitter. Criteria: ACMG Guidelines, 2015. Collection method: clinical testing. Allele origin: germline.